The following is an entry in ClinVar:

NM_001384900.1(SEMA3D):c.2256C>T (p.His752=)

Genes: SEMA3D (semaphorin 3D; minus strand), LOC126860094 (BRD4-independent group 4 enhancer GRCh37_chr7:84628763-84629962; plus strand). Cytogenetic location: 7q21.11.
Variant type: single nucleotide variant.
Coding change: c.2256C>T on transcript NM_001384900.1 (MANE Select); coding-DNA position 2256, C replaced by T.
Protein change: p.His752=; no amino-acid change (histidine 752 retained).
Molecular consequence: synonymous variant.
Genome position (GRCh38, 1-based): chr7:84,999,518, G>A on the plus strand (C>T on the coding strand, the complement: SEMA3D is on the minus strand). VCF-style: chr7-84999518-G-A. GRCh37 (hg19) VCF-style: chr7-84628834-G-A.
Other names: c.2256C>T, p.His752= (NM_001384901.1, NM_001384902.1, NM_001384903.1 and 1 more transcripts).
Identifiers: ClinVar variation 3356893 (VCV003356893.1).

ClinVar aggregate classification (germline): Likely benign (0 of 4 stars; one submission).

Conditions:
SEMA3D-related disorder. Also called: SEMA3D-related condition.

gnomAD v4.1: 1 of 1,613,936 alleles (0.000062%); highest among the groups gnomAD compares: Non-Finnish European, 0.000085%; no homozygotes.

Submission:

PreventionGenetics, part of Exact Sciences
Classification: Likely benign for SEMA3D-related condition. Last evaluated: 2021-06-08. Review status: no assertion criteria provided. Collection method: clinical testing. Allele origin: germline.
Comment: This variant is classified as likely benign based on ACMG/AMP sequence variant interpretation guidelines (Richards et al. 2015 PMID: 25741868, with internal and published modifications).